The following is an entry in ClinVar:

ClinVar aggregate classification (germline): Likely pathogenic (1 of 4 stars; one submission).

Conditions:
Ichthyosis vulgaris. Also called: ICHTHYOSIS SIMPLEX; Dominant ichthyosis vulgaris. Identifiers: MedGen C0079584, MONDO:0024304, OMIM 146700.

Submission:

MVZ Medizinische Genetik Mainz
Classification: Likely pathogenic for Ichthyosis vulgaris. Last evaluated: 2025-04-15. Review status: criteria provided, single submitter. Criteria: UK Practice Guidelines For Variant Classification V4 01 2020. Collection method: clinical testing. Allele origin: germline. Inheritance: Autosomal dominant inheritance. Affected: yes. Observed: 1 variant allele.
Comment: ACMG Criteria: PVS1,PM2_SUP

NM_002016.2(FLG):c.2327_2328del (p.Gln776fs)

Genes: FLG (filaggrin; minus strand), CCDST (cervical cancer associated DHX9 suppressive transcript; plus strand). Cytogenetic location: 1q21.3.
Variant type: Deletion.
Coding change: c.2327_2328del on transcript NM_002016.2 (MANE Select); coding-DNA positions 2327 to 2328, 2 bases deleted (AA; older notation c.2327_2328delAA).
Protein change: p.Gln776fs; shifts the reading frame from glutamine 776.
Molecular consequence: frameshift variant.
Genome position (GRCh38, 1-based): chr1:152,312,558-152,312,559, TT deleted on the plus strand (AA on the coding strand, the reverse complement: FLG is on the minus strand). VCF-style (leftmost placement, unchanged base first): chr1-152312557-CTT-C. GRCh37 (hg19) VCF-style: chr1-152285033-CTT-C.
Other names: short protein forms Q776fs.
Identifiers: ClinVar variation 3894552 (VCV003894552.1).